The following is an entry in ClinVar:

NM_016239.4(MYO15A):c.352_360del (p.Gly118_Leu120del)

Gene: MYO15A (myosin XVA; plus strand). Cytogenetic location: 17p11.2.
Variant type: Deletion.
Coding change: c.352_360del on transcript NM_016239.4 (MANE Select); coding-DNA positions 352 to 360, 9 bases deleted (GGCCGCCTG; older notation c.352_360delGGCCGCCTG).
Protein change: p.Gly118_Leu120del.
Molecular consequence: inframe deletion.
Genome position (GRCh38, 1-based): chr17:18,119,152-18,119,160, GGCCGCCTG deleted. VCF-style (leftmost placement, unchanged base first): chr17-18119151-CGGCCGCCTG-C. GRCh37 (hg19) VCF-style: chr17-18022465-CGGCCGCCTG-C.
Identifiers: ClinVar variation 1505553 (VCV001505553.4), dbSNP rs765087398, ClinGen allele CA8422817.

ClinVar aggregate classification (germline): Uncertain significance. Review status: criteria provided, multiple submitters, no conflicts (2 of 4 stars). 2 submissions from 2 submitters: Uncertain significance (2). Last evaluated 2023-04-20.

Allele frequency attached by ClinVar (database versions not stated): gnomAD exomes 0.00001; TOPMed 0.00001; gnomAD 0.00002; ExAC 0.00003.

Submissions (2):

Blueprint Genetics
Classification: Uncertain significance. Last evaluated: 2023-04-20. Review status: criteria provided, single submitter. Criteria: ACMG Guidelines, 2015. Collection method: clinical testing. Allele origin: germline.

Labcorp Genetics (formerly Invitae), Labcorp
Classification: Uncertain significance. Last evaluated: 2021-11-16. Review status: criteria provided, single submitter. Criteria: Invitae Variant Classification Sherloc (09022015). Collection method: clinical testing. Allele origin: germline.
Comment: This variant, c.352_360del, results in the deletion of 3 amino acid(s) of the MYO15A protein (p.Gly118_Leu120del), but otherwise preserves the integrity of the reading frame. This variant is present in population databases (rs765087398, gnomAD 0.003%). This variant has not been reported in the literature in individuals affected with MYO15A-related conditions. Experimental studies and prediction algorithms are not available or were not evaluated, and the functional significance of this variant is currently unknown. In summary, the available evidence is currently insufficient to determine the role of this variant in disease. Therefore, it has been classified as a Variant of Uncertain Significance.